The following is an entry in ClinVar:

NM_014363.6(SACS):c.1126_1127del (p.Asn376fs)

Gene: SACS (sacsin molecular chaperone; minus strand). Cytogenetic location: 13q12.12.
Variant type: Deletion.
Coding change: c.1126_1127del on transcript NM_014363.6 (MANE Select); coding-DNA positions 1126 to 1127, 2 bases deleted (AA; older notation c.1126_1127delAA).
Protein change: p.Asn376fs; shifts the reading frame from asparagine 376.
Molecular consequence: frameshift variant.
Genome position (GRCh38, 1-based): chr13:23,355,485-23,355,486, TT deleted on the plus strand (AA on the coding strand, the reverse complement: SACS is on the minus strand); deleting any 2 consecutive bases within chr13:23,355,485-23,355,487 gives the same sequence; the c. name uses the placement nearest the transcript's 3' end. VCF-style (leftmost placement, unchanged base first): chr13-23355484-ATT-A. GRCh37 (hg19) VCF-style: chr13-23929623-ATT-A.
Other names: c.685_686del, p.Asn229fs (NM_001278055.2); short protein forms N229fs, N376fs.
Identifiers: ClinVar variation 1726588 (VCV001726588.2), dbSNP rs2542399631, ClinGen allele CA2580086862.

ClinVar aggregate classification (germline): Likely pathogenic (1 of 4 stars; one submission).

Conditions:
Charlevoix-Saguenay spastic ataxia (SACS). Also called: Spastic ataxia of Charlevoix-Saguenay; SPASTIC ATAXIA 6, AUTOSOMAL RECESSIVE; AUTOSOMAL RECESSIVE SPASTIC ATAXIA OF CHARLEVOIX-SAGUENAY. Identifiers: Orphanet 98, MedGen C1849140, MONDO:0010041, OMIM 270550.

Submission:

Myriad Genetics, Inc.
Classification: Likely pathogenic for Charlevoix-Saguenay spastic ataxia. Last evaluated: 2021-12-27. Review status: criteria provided, single submitter. Criteria: Myriad Women's Health Autosomal Recessive and X-Linked Classification Criteria (2021). Collection method: clinical testing. Allele origin: unknown.
Comment: NM_014363.4(SACS):c.1126_1127delAA(N376Yfs*9) is expected to be pathogenic in the context of autosomal recessive spastic ataxia of Charlevoix-Saguenay. This variant is predicted to lead to an abnormal or absent protein product due to the creation of a premature termination codon in SACS, a gene where loss-of-function variants are known to be pathogenic. Please note: this variant was assessed in the context of healthy population screening.